The following is an entry in ClinVar:

ClinVar aggregate classification (germline): Uncertain significance (1 of 4 stars; one submission).

Conditions:
Hereditary cancer-predisposing syndrome. Also called: Neoplastic Syndromes, Hereditary; Tumor predisposition; Hereditary Cancer Syndrome; Hereditary neoplastic syndrome. Identifiers: Orphanet 140162, MedGen C0027672, MeSH D009386, MONDO:0015356.

Submission:

Ambry Genetics
Classification: Uncertain significance for Hereditary cancer-predisposing syndrome. Last evaluated: 2022-04-27. Review status: criteria provided, single submitter. Criteria: Ambry Variant Classification Scheme 2023. Collection method: clinical testing. Allele origin: germline.
Comment: The c.2185-2delA intronic variant, located in intron 14 of the NBN gene, results from a deletion of one nucleotide within intron 14 of the NBN gene. This alteration occurs at the 3' terminus of the NBN gene, is not expected to trigger nonsense-mediated mRNA decay, and is predicted to only impact the last 26 amino acids of the protein. The exact functional effect of this alteration is unknown. This nucleotide position is highly conserved in available vertebrate species. In silico splice site analysis predicts that this alteration will weaken the native splice acceptor site; however, direct evidence is insufficient at this time (Ambry internal data). Since supporting evidence is limited at this time, the clinical significance of this alteration remains unclear.

NM_002485.5(NBN):c.2185-2del

Gene: NBN (nibrin; minus strand). Cytogenetic location: 8q21.3.
Variant type: Deletion.
Coding change: c.2185-2del on transcript NM_002485.5 (MANE Select); the canonical splice acceptor site of the intron before coding-DNA position 2185, one base deleted (A; older notation c.2185-2delA).
Molecular consequence: splice acceptor variant.
Genome position (GRCh38, 1-based): chr8:89,937,077, T deleted on the plus strand (A on the coding strand, the reverse complement: NBN is on the minus strand). VCF-style (leftmost placement, unchanged base first): chr8-89937076-CT-C. GRCh37 (hg19) VCF-style: chr8-90949304-CT-C.
Other names: c.1939-2del (NM_001024688.3).
Identifiers: ClinVar variation 1787319 (VCV001787319.2), dbSNP rs2488169837, ClinGen allele CA2580079003.
Genomic context (GRCh38, chr8:89,937,076, plus strand): 5'-CAAACTTTACCTAAAAAGATCATCAGCAAGAGACTCTTCTTTTGCATGTTGATTTTGTAC[CT>C]GTCAAAATTAACATAATTTCAAACATTTGCTCAGTGGTGAATATATAGTTAATGAATTGC-3'